The following is an entry in ClinVar:

ClinVar aggregate classification (germline): Conflicting classifications of pathogenicity. Review status: criteria provided, conflicting classifications (1 of 4 stars). 5 submissions from 5 submitters: Uncertain significance (1); Likely benign (1). 3 of the submissions do not count toward it. Last evaluated 2025-01-29.

Conditions:
Familial hypobetalipoproteinemia 1. Also called: Hypobetalipoproteinemia, normotriglyceridemic; Acanthocytosis with hypobetalipoproteinemia; APOB-Related Familial Hypobetalipoproteinemia. Identifiers: MedGen C4551990, MONDO:0014252, OMIM 615558.
Hypercholesterolemia, autosomal dominant, type B (FHCL2). Also called: Familial Hypercholesterolemia Type B; HYPERCHOLESTEROLEMIA, FAMILIAL, DUE TO LIGAND-DEFECTIVE APOLIPOPROTEIN B; Familial hypercholesterolemia 2; APOB-Related Familial Hypercholesterolemia, Autosomal Dominant; APOLIPOPROTEIN B-100, FAMILIAL DEFECTIVE; APOLIPOPROTEIN B-100, FAMILIAL LIGAND-DEFECTIVE. Identifiers: MedGen C1704417, MONDO:0007751, OMIM 144010.
APOB-related disorder. Also called: APOB-related disorders; APOB-related condition.

Allele frequency attached by ClinVar (database versions not stated): ExAC 0.00001; gnomAD 0.00003 and 0.00004; TOPMed 0.00003.
gnomAD v4.1: 86 of 1,613,976 alleles (0.0053%); highest among the groups gnomAD compares: Non-Finnish European, 0.0069%; no homozygotes.

Submissions (5):

Labcorp Genetics (formerly Invitae), Labcorp
Classification: Likely benign for Familial hypobetalipoproteinemia 1; Hypercholesterolemia, autosomal dominant, type B. Last evaluated: 2025-01-29. Review status: criteria provided, single submitter. Criteria: Invitae Variant Classification Sherloc (09022015). Collection method: clinical testing. Allele origin: germline.

Fulgent Genetics
Classification: Uncertain significance for Hypercholesterolemia, autosomal dominant, type B; Familial hypobetalipoproteinemia 1. Last evaluated: 2021-08-19. Review status: criteria provided, single submitter. Criteria: ACMG Guidelines, 2015. Collection method: clinical testing. Allele origin: unknown.

PreventionGenetics, part of Exact Sciences
Classification: Uncertain significance for APOB-related condition. Last evaluated: 2024-04-12. Review status: no assertion criteria provided. Collection method: clinical testing. Allele origin: germline. Not counted in ClinVar's aggregate classification.
Comment: The APOB c.11503A>C variant is predicted to result in the amino acid substitution p.Ile3835Leu. To our knowledge, this variant has not been reported in the literature. This variant is reported in 0.0062% of alleles in individuals of European (Non-Finnish) descent in gnomAD. At this time, the clinical significance of this variant is uncertain due to the absence of conclusive functional and genetic evidence.

Clinical Genetics, Academic Medical Center
Classification: Likely benign. Review status: no assertion criteria provided. Collection method: clinical testing. Allele origin: germline. Affected: yes. Study: VKGL Data-share Consensus. Not counted in ClinVar's aggregate classification.

Diagnostic Laboratory, Department of Genetics, University Medical Center Groningen
Classification: Likely benign. Review status: no assertion criteria provided. Collection method: clinical testing. Allele origin: germline. Affected: yes. Study: VKGL Data-share Consensus. Not counted in ClinVar's aggregate classification.

NM_000384.3(APOB):c.11503A>C (p.Ile3835Leu)

Gene: APOB (apolipoprotein B; minus strand). Cytogenetic location: 2p24.1.
Variant type: single nucleotide variant.
Coding change: c.11503A>C on transcript NM_000384.3 (MANE Select); coding-DNA position 11503, A replaced by C.
Protein change: p.Ile3835Leu; replaces isoleucine 3835 with leucine.
Molecular consequence: missense variant.
Genome position (GRCh38, 1-based): chr2:21,005,365, T>G on the plus strand (A>C on the coding strand, the complement: APOB is on the minus strand). VCF-style: chr2-21005365-T-G. GRCh37 (hg19) VCF-style: chr2-21228237-T-G.
Other names: short protein forms I3835L.
Identifiers: ClinVar variation 918458 (VCV000918458.11), dbSNP rs776119459, ClinGen allele CA046759.
Genomic context (GRCh38, chr2:21,005,365, plus strand): 5'-TGGTGGGCAACTCAAAGTCTGCGATCTTGTTGGCTACTGCATTTAGATCCAAAGCAGCAA[T>G]GCCATCTGAAACACTTTTTGGAAGCGTGAACTGGGACACAGTTAACTGAGATTCAGGCAC-3'
Protein context (NP_000375.3, residues 3825-3845): FTLPKSVSDG[Ile3835Leu]AALDLNAVAN